The following is an entry in ClinVar:

NM_002156.5(HSPD1):c.59C>T (p.Pro20Leu)

Gene: HSPD1 (heat shock protein family D (Hsp60) member 1; minus strand). Cytogenetic location: 2q33.1.
Variant type: single nucleotide variant.
Coding change: c.59C>T on transcript NM_002156.5 (MANE Select); coding-DNA position 59, C replaced by T.
Protein change: p.Pro20Leu; replaces proline 20 with leucine.
Molecular consequence: missense variant.
Genome position (GRCh38, 1-based): chr2:197,498,790, G>A on the plus strand (C>T on the coding strand, the complement: HSPD1 is on the minus strand). VCF-style: chr2-197498790-G-A. GRCh37 (hg19) VCF-style: chr2-198363514-G-A.
Other names: c.59C>T, p.Pro20Leu (NM_199440.2); short protein forms P20L.
Identifiers: ClinVar variation 1352176 (VCV001352176.6), dbSNP rs757923024, ClinGen allele CA2043693.

ClinVar aggregate classification (germline): Uncertain significance (1 of 4 stars; one submission).

Conditions:
Spastic paraplegia. Identifiers: MedGen C0037772, HP:0001258.

Allele frequency attached by ClinVar (database versions not stated): TOPMed 0.00001; gnomAD exomes 0.00002; ExAC 0.00003.
gnomAD v4.1: 24 of 1,614,188 alleles (0.0015%); highest among the groups gnomAD compares: South Asian, 0.015%; no homozygotes.

Submission:

Labcorp Genetics (formerly Invitae), Labcorp
Classification: Uncertain significance for Spastic paraplegia. Last evaluated: 2021-11-06. Review status: criteria provided, single submitter. Criteria: Invitae Variant Classification Sherloc (09022015). Collection method: clinical testing. Allele origin: germline.
Comment: This variant has not been reported in the literature in individuals affected with HSPD1-related conditions. This variant is present in population databases (rs757923024, gnomAD 0.01%). This sequence change replaces proline, which is neutral and non-polar, with leucine, which is neutral and non-polar, at codon 20 of the HSPD1 protein (p.Pro20Leu). Algorithms developed to predict the effect of missense changes on protein structure and function (SIFT, PolyPhen-2, Align-GVGD) all suggest that this variant is likely to be tolerated. In summary, the available evidence is currently insufficient to determine the role of this variant in disease. Therefore, it has been classified as a Variant of Uncertain Significance.